The following is an entry in ClinVar:

NM_000384.3(APOB):c.11291A>T (p.Asp3764Val)

Gene: APOB (apolipoprotein B; minus strand). Cytogenetic location: 2p24.1.
Variant type: single nucleotide variant.
Coding change: c.11291A>T on transcript NM_000384.3 (MANE Select); coding-DNA position 11291, A replaced by T.
Protein change: p.Asp3764Val; replaces aspartic acid 3764 with valine.
Molecular consequence: missense variant.
Genome position (GRCh38, 1-based): chr2:21,005,577, T>A on the plus strand (A>T on the coding strand, the complement: APOB is on the minus strand). VCF-style: chr2-21005577-T-A. GRCh37 (hg19) VCF-style: chr2-21228449-T-A.
Other names: short protein forms D3764V.
Identifiers: ClinVar variation 3307838 (VCV003307838.2).

ClinVar aggregate classification (germline): Uncertain significance. Review status: criteria provided, multiple submitters, no conflicts (2 of 4 stars). 2 submissions from 2 submitters: Uncertain significance (2). Last evaluated 2026-03-19.

Conditions:
Cardiovascular phenotype. Identifiers: MedGen CN230736.

gnomAD v4.1: 1 of 1,614,054 alleles (0.000062%); highest among the groups gnomAD compares: Non-Finnish European, 0.000085%; no homozygotes.

Submissions (2):

GeneDx
Classification: Uncertain significance. Last evaluated: 2026-03-19. Review status: criteria provided, single submitter. Criteria: GeneDx Variant Classification Process June 2021. Collection method: clinical testing. Allele origin: germline.
Comment: Not observed at significant frequency in large population cohorts (gnomAD); In silico analysis supports that this missense variant has a deleterious effect on protein structure/function; Has not been previously published as pathogenic or benign to our knowledge

Ambry Genetics
Classification: Uncertain significance for Cardiovascular phenotype. Last evaluated: 2024-04-28. Review status: criteria provided, single submitter. Criteria: Ambry Variant Classification Scheme 2023. Collection method: clinical testing. Allele origin: germline.
Comment: The p.D3764V variant (also known as c.11291A>T), located in coding exon 26 of the APOB gene, results from an A to T substitution at nucleotide position 11291. The aspartic acid at codon 3764 is replaced by valine, an amino acid with highly dissimilar properties. This amino acid position is conserved. In addition, the in silico prediction for this alteration is inconclusive. Based on the available evidence, the clinical significance of this variant remains unclear.